The following is an entry in ClinVar:

ClinVar aggregate classification (germline): Uncertain significance (1 of 4 stars; one submission).

Conditions:
Neuronal ceroid lipofuscinosis 11. Also called: GRN-Related Neuronal Ceroid-Lipofuscinosis. Identifiers: Orphanet 314629, Orphanet 79262, MedGen C3539123, MONDO:0013866, OMIM 614706.
GRN-related frontotemporal lobar degeneration with Tdp43 inclusions (FTD2). Also called: DEMENTIA, HEREDITARY DYSPHASIC DISINHIBITION; FRONTOTEMPORAL LOBAR DEGENERATION WITH UBIQUITIN-POSITIVE INCLUSIONS; FTLD-TDP, GRN-RELATED; GRN Frontotemporal Dementia; FRONTOTEMPORAL DEMENTIA WITH TDP43 INCLUSIONS, GRN-RELATED. Identifiers: Orphanet 100070, Orphanet 282, MedGen C1843792, MONDO:0011842, OMIM 607485. Disease mechanism: loss of function.

Submission:

Labcorp Genetics (formerly Invitae), Labcorp
Classification: Uncertain significance for Neuronal ceroid lipofuscinosis 11; GRN-related frontotemporal lobar degeneration with Tdp43 inclusions. Last evaluated: 2024-08-10. Review status: criteria provided, single submitter. Criteria: Invitae Variant Classification Sherloc (09022015). Collection method: clinical testing. Allele origin: germline.
Comment: This variant, c.1156_1179del, results in the deletion of 8 amino acid(s) of the GRN protein (p.Trp386_Glu393del), but otherwise preserves the integrity of the reading frame. This variant is present in population databases (rs780706808, gnomAD 0.006%). This variant has not been reported in the literature in individuals affected with GRN-related conditions. Experimental studies and prediction algorithms are not available or were not evaluated, and the functional significance of this variant is currently unknown. In summary, the available evidence is currently insufficient to determine the role of this variant in disease. Therefore, it has been classified as a Variant of Uncertain Significance.

NM_002087.4(GRN):c.1156_1179del (p.Trp386_Glu393del)

Gene: GRN (granulin precursor; plus strand). Cytogenetic location: 17q21.31.
Variant type: Deletion.
Coding change: c.1156_1179del on transcript NM_002087.4 (MANE Select); coding-DNA positions 1156 to 1179, 24 bases deleted (TGGGGCTGCTGTCCAATCCCAGAG).
Protein change: p.Trp386_Glu393del.
Molecular consequence: inframe deletion.
Genome position (GRCh38, 1-based): chr17:44,351,772-44,351,795, TGGGGCTGCTGTCCAATCCCAGAG deleted; deleting any 24 consecutive bases within chr17:44,351,769-44,351,795 gives the same sequence; the c. name uses the placement nearest the transcript's 3' end. VCF-style (leftmost placement, unchanged base first): chr17-44351768-GGAGTGGGGCTGCTGTCCAATCCCA-G. GRCh37 (hg19) VCF-style: chr17-42429136-GGAGTGGGGCTGCTGTCCAATCCCA-G.
Identifiers: ClinVar variation 3757533 (VCV003757533.2).